The following is an entry in ClinVar:

ClinVar aggregate classification (germline): Likely benign (0 of 4 stars; one submission).

Conditions:
AMPD2-related disorder. Also called: AMPD2-related condition.

Submission:

PreventionGenetics, part of Exact Sciences
Classification: Likely benign for AMPD2-related condition. Last evaluated: 2023-12-11. Review status: no assertion criteria provided. Collection method: clinical testing. Allele origin: germline.
Comment: This variant is classified as likely benign based on ACMG/AMP sequence variant interpretation guidelines (Richards et al. 2015 PMID: 25741868, with internal and published modifications).

NM_001368809.2(AMPD2):c.1029G>A (p.Glu343=)

Genes: AMPD2 (adenosine monophosphate deaminase 2; plus strand), LOC126805822 (BRD4-independent group 4 enhancer GRCh37_chr1:110170748-110171947; plus strand). Cytogenetic location: 1p13.3.
Variant type: single nucleotide variant.
Coding change: c.1029G>A on transcript NM_001368809.2 (MANE Select); coding-DNA position 1029, G replaced by A.
Protein change: p.Glu343=; no amino-acid change (glutamic acid 343 retained).
Molecular consequence: synonymous variant.
Genome position (GRCh38, 1-based): chr1:109,627,852, G>A. VCF-style: chr1-109627852-G-A. GRCh37 (hg19) VCF-style: chr1-110170474-G-A.
Other names: c.1191G>A (NM_001257360.1); c.837G>A, p.Glu279= (NM_001257361.2); c.966G>A, p.Glu322= (NM_001308170.1); c.1029G>A, p.Glu343= (NM_004037.9); c.948G>A, p.Glu316= (NM_139156.4).
Identifiers: ClinVar variation 3038095 (VCV003038095.2), dbSNP rs756060492, ClinGen allele CA419372338.